The following is an entry in ClinVar:

ClinVar aggregate classification (germline): Uncertain significance (1 of 4 stars; one submission).

Conditions:
Epilepsy, X-linked 1, with variable learning disabilities and behavior disorders. Also called: X-linked epilepsy-learning disabilities-behavior disorders syndrome. Identifiers: Orphanet 85294, MedGen C5774177, MONDO:0010339, OMIM 300491.

Submission:

Labcorp Genetics (formerly Invitae), Labcorp
Classification: Uncertain significance for Epilepsy, X-linked 1, with variable learning disabilities and behavior disorders. Last evaluated: 2024-08-05. Review status: criteria provided, single submitter. Criteria: Invitae Variant Classification Sherloc (09022015). Collection method: clinical testing. Allele origin: germline.
Comment: This sequence change falls in intron 10 of the SYN1 gene. It does not directly change the encoded amino acid sequence of the SYN1 protein. It affects a nucleotide within the consensus splice site. This variant is not present in population databases (gnomAD no frequency). This variant has not been reported in the literature in individuals affected with SYN1-related conditions. Variants that disrupt the consensus splice site are a relatively common cause of aberrant splicing (PMID: 17576681, 9536098). Algorithms developed to predict the effect of sequence changes on RNA splicing suggest that this variant is not likely to affect RNA splicing. In summary, the available evidence is currently insufficient to determine the role of this variant in disease. Therefore, it has been classified as a Variant of Uncertain Significance.

Literature cited by the submitters: PubMed 17576681; PubMed 9536098.

NM_006950.3(SYN1):c.1305+6G>T

Gene: SYN1 (synapsin I; minus strand). Cytogenetic location: Xp11.3.
Variant type: single nucleotide variant.
Coding change: c.1305+6G>T on transcript NM_006950.3 (MANE Select); 6 bases into the intron after coding-DNA position 1305, G replaced by T.
Molecular consequence: intron variant.
Genome position (GRCh38, 1-based): chrX:47,575,122, C>A on the plus strand (G>T on the coding strand, the complement: SYN1 is on the minus strand). VCF-style: chrX-47575122-C-A. GRCh37 (hg19) VCF-style: chrX-47434521-C-A.
Other names: c.1305+6G>T (NM_133499.2).
Identifiers: ClinVar variation 3661443 (VCV003661443.2).